The following is an entry in ClinVar:

ClinVar aggregate classification (germline): Uncertain significance. Review status: criteria provided, multiple submitters, no conflicts (2 of 4 stars). 2 submissions from 2 submitters: Uncertain significance (2). Last evaluated 2024-10-14.

Conditions:
Inborn genetic diseases. Identifiers: MedGen C0950123, MeSH D030342.
X-linked distal spinal muscular atrophy type 3. Also called: SPINAL MUSCULAR ATROPHY, DISTAL, X-LINKED RECESSIVE; NEURONOPATHY, DISTAL HEREDITARY MOTOR, X-LINKED; NEUROPATHY, DISTAL HEREDITARY MOTOR, X-LINKED; ATP7A-Related Distal Motor Neuropathy. Identifiers: Orphanet 139557, MedGen C1845359, MONDO:0010338, OMIM 300489.
Menkes kinky-hair syndrome (MNK). Also called: Copper transport disease; Classic Menkes Disease; Menkes Disease. Identifiers: Orphanet 565, MedGen C0022716, MONDO:0010651, OMIM 309400.
Cutis laxa, X-linked (OHS). Also called: EDS IX; Occipital horn syndrome. Identifiers: Orphanet 198, MedGen C0268353, MONDO:0010572, OMIM 304150.

Allele frequency attached by ClinVar (database versions not stated): gnomAD exomes 0.00001.
gnomAD v4.1: 6 of 1,194,832 alleles (0.0005%); highest among the groups gnomAD compares: Non-Finnish European, 0.00068%; no homozygotes.

Submissions (2):

Labcorp Genetics (formerly Invitae), Labcorp
Classification: Uncertain significance for X-linked distal spinal muscular atrophy type 3; Cutis laxa, X-linked; Menkes kinky-hair syndrome. Last evaluated: 2024-10-14. Review status: criteria provided, single submitter. Criteria: Invitae Variant Classification Sherloc (09022015). Collection method: clinical testing. Allele origin: germline.
Comment: This sequence change replaces valine, which is neutral and non-polar, with isoleucine, which is neutral and non-polar, at codon 1341 of the ATP7A protein (p.Val1341Ile). This variant is not present in population databases (gnomAD no frequency). This variant has not been reported in the literature in individuals affected with ATP7A-related conditions. ClinVar contains an entry for this variant (Variation ID: 1737118). Invitae Evidence Modeling of protein sequence and biophysical properties (such as structural, functional, and spatial information, amino acid conservation, physicochemical variation, residue mobility, and thermodynamic stability) has been performed for this missense variant. However, the output from this modeling did not meet the statistical confidence thresholds required to predict the impact of this variant on ATP7A protein function. In summary, the available evidence is currently insufficient to determine the role of this variant in disease. Therefore, it has been classified as a Variant of Uncertain Significance.

Ambry Genetics
Classification: Uncertain significance for Inborn genetic diseases. Last evaluated: 2020-12-04. Review status: criteria provided, single submitter. Criteria: Ambry Variant Classification Scheme 2023. Collection method: clinical testing. Allele origin: germline.
Comment: The p.V1341I variant (also known as c.4021G>A), located in coding exon 20 of the ATP7A gene, results from a G to A substitution at nucleotide position 4021. The valine at codon 1341 is replaced by isoleucine, an amino acid with highly similar properties. This amino acid position is highly conserved in available vertebrate species. In addition, this alteration is predicted to be deleterious by in silico analysis. Since supporting evidence is limited at this time, the clinical significance of this alteration remains unclear.

NM_000052.7(ATP7A):c.4021G>A (p.Val1341Ile)

Gene: ATP7A (ATPase copper transporting alpha; plus strand). Cytogenetic location: Xq21.1.
Variant type: single nucleotide variant.
Coding change: c.4021G>A on transcript NM_000052.7 (MANE Select); coding-DNA position 4021, G replaced by A.
Protein change: p.Val1341Ile; replaces valine 1341 with isoleucine.
Molecular consequence: missense variant. On other transcripts: non-coding transcript variant (1).
Genome position (GRCh38, 1-based): chrX:78,043,332, G>A. VCF-style: chrX-78043332-G-A. GRCh37 (hg19) VCF-style: chrX-77298830-G-A.
Other names: c.3787G>A, p.Val1263Ile (NM_001282224.2); short protein forms V1263I, V1341I.
Identifiers: ClinVar variation 1737118 (VCV001737118.7), dbSNP rs2522420921, ClinGen allele CA413605492.